The following is an entry in ClinVar:

ClinVar aggregate classification (germline): Uncertain significance. Review status: criteria provided, multiple submitters, no conflicts (2 of 4 stars). 3 submissions from 3 submitters: Uncertain significance (3). Last evaluated 2024-05-22.

Conditions:
Juvenile polyposis syndrome (JPS). Identifiers: Orphanet 2929, MedGen C0345893, MONDO:0017380, OMIM 174900.
Hereditary cancer-predisposing syndrome. Also called: Neoplastic Syndromes, Hereditary; Hereditary Cancer Syndrome; Tumor predisposition; Hereditary neoplastic syndrome. Identifiers: Orphanet 140162, MedGen C0027672, MeSH D009386, MONDO:0015356.

Submissions (3):

Ambry Genetics
Classification: Uncertain significance for Hereditary cancer-predisposing syndrome. Last evaluated: 2024-05-22. Review status: criteria provided, single submitter. Criteria: Ambry Variant Classification Scheme 2023. Collection method: clinical testing. Allele origin: germline.
Comment: The p.G290A variant (also known as c.869G>C) is located in coding exon 8 of the BMPR1A gene. The glycine at codon 290 is replaced by alanine, an amino acid with similar properties. This change occurs in the first base pair of coding exon 8. This amino acid position is highly conserved in available vertebrate species. In addition, this alteration is predicted to be deleterious by in silico analysis. Since supporting evidence is limited at this time, the clinical significance of this alteration remains unclear.

Labcorp Genetics (formerly Invitae), Labcorp
Classification: Uncertain significance for Juvenile polyposis syndrome. Last evaluated: 2022-12-08. Review status: criteria provided, single submitter. Criteria: Invitae Variant Classification Sherloc (09022015). Collection method: clinical testing. Allele origin: germline.
Comment: This sequence change replaces glycine, which is neutral and non-polar, with alanine, which is neutral and non-polar, at codon 290 of the BMPR1A protein (p.Gly290Ala). This variant is not present in population databases (gnomAD no frequency). This variant has not been reported in the literature in individuals affected with BMPR1A-related conditions. ClinVar contains an entry for this variant (Variation ID: 233721). Algorithms developed to predict the effect of missense changes on protein structure and function are either unavailable or do not agree on the potential impact of this missense change (SIFT: "Tolerated"; PolyPhen-2: "Possibly Damaging"; Align-GVGD: "Class C0"). In summary, the available evidence is currently insufficient to determine the role of this variant in disease. Therefore, it has been classified as a Variant of Uncertain Significance.

Blueprint Genetics
Classification: Uncertain significance. Last evaluated: 2022-09-28. Review status: criteria provided, single submitter. Criteria: ACMG Guidelines, 2015. Collection method: clinical testing. Allele origin: germline.

NM_004329.3(BMPR1A):c.869G>C (p.Gly290Ala)

Gene: BMPR1A (bone morphogenetic protein receptor type 1A; plus strand). Cytogenetic location: 10q23.2.
Variant type: single nucleotide variant.
Coding change: c.869G>C on transcript NM_004329.3 (MANE Select); coding-DNA position 869, G replaced by C.
Protein change: p.Gly290Ala; replaces glycine 290 with alanine.
Molecular consequence: missense variant.
Genome position (GRCh38, 1-based): chr10:86,919,172, G>C. VCF-style: chr10-86919172-G-C. GRCh37 (hg19) VCF-style: chr10-88678929-G-C.
Other names: short protein forms G290A.
Identifiers: ClinVar variation 233721 (VCV000233721.18), dbSNP rs876660596, ClinGen allele CA10578888.